The following is an entry in ClinVar:

ClinVar aggregate classification (germline): Uncertain significance (1 of 4 stars; one submission).

Conditions:
Christianson syndrome (MRXSCH). Also called: X-linked mental retardation, syndromic, Christianson type; SLC9A6-Related Syndromic Mental Retardation; INTELLECTUAL DEVELOPMENTAL DISORDER, X-LINKED, SYNDROMIC, CHRISTIANSON TYPE. Identifiers: Orphanet 85278, MedGen C2678194, MONDO:0010278, OMIM 300243.

Submission:

Labcorp Genetics (formerly Invitae), Labcorp
Classification: Uncertain significance for Christianson syndrome. Last evaluated: 2024-09-08. Review status: criteria provided, single submitter. Criteria: Invitae Variant Classification Sherloc (09022015). Collection method: clinical testing. Allele origin: germline.
Comment: This sequence change replaces isoleucine, which is neutral and non-polar, with lysine, which is basic and polar, at codon 154 of the SLC9A6 protein (p.Ile154Lys). This variant is not present in population databases (gnomAD no frequency). This variant has not been reported in the literature in individuals affected with SLC9A6-related conditions. Invitae Evidence Modeling of protein sequence and biophysical properties (such as structural, functional, and spatial information, amino acid conservation, physicochemical variation, residue mobility, and thermodynamic stability) indicates that this missense variant is not expected to disrupt SLC9A6 protein function with a negative predictive value of 80%. In summary, the available evidence is currently insufficient to determine the role of this variant in disease. Therefore, it has been classified as a Variant of Uncertain Significance.

NM_001379110.1(SLC9A6):c.401T>A (p.Ile134Lys)

Gene: SLC9A6 (solute carrier family 9 member A6; plus strand). Cytogenetic location: Xq26.3.
Variant type: single nucleotide variant.
Coding change: c.401T>A on transcript NM_001379110.1 (MANE Select); coding-DNA position 401, T replaced by A.
Protein change: p.Ile134Lys; replaces isoleucine 134 with lysine.
Molecular consequence: missense variant.
Genome position (GRCh38, 1-based): chrX:135,998,139, T>A. VCF-style: chrX-135998139-T-A. GRCh37 (hg19) VCF-style: chrX-135080298-T-A.
Other names: c.557T>A, p.Ile186Lys (NM_001042537.2); c.401T>A, p.Ile134Lys (NM_001177651.2, NM_001400909.1, NM_001400910.1 and 2 more transcripts); c.305T>A, p.Ile102Lys (NM_001330652.2, NM_001400913.1); c.461T>A, p.Ile154Lys (NM_006359.3); short protein forms I134K, I154K, I102K, I186K.
Identifiers: ClinVar variation 3666474 (VCV003666474.2).